The following is an entry in ClinVar:

NM_020433.5(JPH2):c.823G>A (p.Glu275Lys)

Gene: JPH2 (junctophilin 2; minus strand). Cytogenetic location: 20q13.12.
Variant type: single nucleotide variant.
Coding change: c.823G>A on transcript NM_020433.5 (MANE Select); coding-DNA position 823, G replaced by A.
Protein change: p.Glu275Lys; replaces glutamic acid 275 with lysine.
Molecular consequence: missense variant.
Genome position (GRCh38, 1-based): chr20:44,159,964, C>T on the plus strand (G>A on the coding strand, the complement: JPH2 is on the minus strand). VCF-style: chr20-44159964-C-T. GRCh37 (hg19) VCF-style: chr20-42788604-C-T.
Other names: short protein forms E275K.
Identifiers: ClinVar variation 2566243 (VCV002566243.2), dbSNP rs760374920, ClinGen allele CA409093599.

ClinVar aggregate classification (germline): Uncertain significance (1 of 4 stars; one submission).

Conditions:
Cardiovascular phenotype. Identifiers: MedGen CN230736.

gnomAD v4.1: 1 of 1,600,088 alleles (0.000062%); highest among the groups gnomAD compares: Non-Finnish European, 0.000085%; no homozygotes.

Submission:

Ambry Genetics
Classification: Uncertain significance for Cardiovascular phenotype. Last evaluated: 2023-06-09. Review status: criteria provided, single submitter. Criteria: Ambry Variant Classification Scheme 2023. Collection method: clinical testing. Allele origin: germline.
Comment: The p.E275K variant (also known as c.823G>A), located in coding exon 2 of the JPH2 gene, results from a G to A substitution at nucleotide position 823. The glutamic acid at codon 275 is replaced by lysine, an amino acid with similar properties. This amino acid position is conserved. In addition, this alteration is predicted to be tolerated by in silico analysis. Since supporting evidence is limited at this time, the clinical significance of this alteration remains unclear.